The following is an entry in ClinVar:

NM_001609.4(ACADSB):c.900G>C (p.Gln300His)

Gene: ACADSB (acyl-CoA dehydrogenase short/branched chain; plus strand). Cytogenetic location: 10q26.13.
Variant type: single nucleotide variant.
Coding change: c.900G>C on transcript NM_001609.4 (MANE Select); coding-DNA position 900, G replaced by C.
Protein change: p.Gln300His; replaces glutamine 300 with histidine.
Molecular consequence: missense variant.
Genome position (GRCh38, 1-based): chr10:123,044,485, G>C. VCF-style: chr10-123044485-G-C. GRCh37 (hg19) VCF-style: chr10-124804001-G-C.
Other names: c.594G>C, p.Gln198His (NM_001330174.3); short protein forms Q198H, Q300H.
Identifiers: ClinVar variation 3661226 (VCV003661226.2).

ClinVar aggregate classification (germline): Uncertain significance (1 of 4 stars; one submission).

Conditions:
Deficiency of 2-methylbutyryl-CoA dehydrogenase (ACADSB). Also called: 2-methylbutyryl-CoA dehydrogenase deficiency; SBCAD deficiency; 2-methylbutyric aciduria; Short branched-chain acyl-CoA dehydrogenase deficiency; 2-methylbutyrylglycinuria. Identifiers: Orphanet 79157, MedGen C1864912, MONDO:0012392, OMIM 610006, HP:0020147.

Submission:

Labcorp Genetics (formerly Invitae), Labcorp
Classification: Uncertain significance for Deficiency of 2-methylbutyryl-CoA dehydrogenase. Last evaluated: 2024-08-30. Review status: criteria provided, single submitter. Criteria: Invitae Variant Classification Sherloc (09022015). Collection method: clinical testing. Allele origin: germline.
Comment: This sequence change replaces glutamine, which is neutral and polar, with histidine, which is basic and polar, at codon 300 of the ACADSB protein (p.Gln300His). This variant also falls at the last nucleotide of exon 7, which is part of the consensus splice site for this exon. This variant is not present in population databases (gnomAD no frequency). This variant has not been reported in the literature in individuals affected with ACADSB-related conditions. An algorithm developed to predict the effect of missense changes on protein structure and function (PolyPhen-2) suggests that this variant is likely to be disruptive. Variants that disrupt the consensus splice site are a relatively common cause of aberrant splicing (PMID: 17576681, 9536098). In summary, the available evidence is currently insufficient to determine the role of this variant in disease. Therefore, it has been classified as a Variant of Uncertain Significance.

Literature cited by the submitters: PubMed 17576681; PubMed 9536098.